The following is an entry in ClinVar:

ClinVar aggregate classification (germline): Uncertain significance (1 of 4 stars; one submission).

Conditions:
Fanconi anemia complementation group J. Also called: BRIP1-Related Fanconi Anemia. Identifiers: Orphanet 84, MedGen C1836860, MONDO:0012187, OMIM 609054.
Familial cancer of breast. Also called: BREAST CANCER, FAMILIAL; Hereditary breast cancer; hereditary breast carcinoma. Identifiers: Orphanet 227535, MedGen C0346153, MONDO:0016419, OMIM 114480. Disease mechanism: loss of function.

Submission:

Labcorp Genetics (formerly Invitae), Labcorp
Classification: Uncertain significance for Familial cancer of breast; Fanconi anemia complementation group J. Last evaluated: 2024-08-01. Review status: criteria provided, single submitter. Criteria: Invitae Variant Classification Sherloc (09022015). Collection method: clinical testing. Allele origin: germline.
Comment: This sequence change replaces threonine, which is neutral and polar, with arginine, which is basic and polar, at codon 781 of the BRIP1 protein (p.Thr781Arg). This variant is not present in population databases (gnomAD no frequency). This variant has not been reported in the literature in individuals affected with BRIP1-related conditions. Advanced modeling of protein sequence and biophysical properties (such as structural, functional, and spatial information, amino acid conservation, physicochemical variation, residue mobility, and thermodynamic stability) performed at Invitae indicates that this missense variant is expected to disrupt BRIP1 protein function with a positive predictive value of 80%. In summary, the available evidence is currently insufficient to determine the role of this variant in disease. Therefore, it has been classified as a Variant of Uncertain Significance.

NM_032043.3(BRIP1):c.2342C>G (p.Thr781Arg)

Gene: BRIP1 (BRCA1 interacting DNA helicase 1; minus strand). Cytogenetic location: 17q23.2.
Variant type: single nucleotide variant.
Coding change: c.2342C>G on transcript NM_032043.3 (MANE Select); coding-DNA position 2342, C replaced by G.
Protein change: p.Thr781Arg; replaces threonine 781 with arginine.
Molecular consequence: missense variant.
Genome position (GRCh38, 1-based): chr17:61,743,050, G>C on the plus strand (C>G on the coding strand, the complement: BRIP1 is on the minus strand). VCF-style: chr17-61743050-G-C. GRCh37 (hg19) VCF-style: chr17-59820411-G-C.
Other names: short protein forms T781R.
Identifiers: ClinVar variation 3757505 (VCV003757505.2).